The following is an entry in ClinVar:

NM_024426.6(WT1):c.1372T>C (p.Cys458Arg)

Gene: WT1 (WT1 transcription factor; minus strand). Cytogenetic location: 11p13.
Variant type: single nucleotide variant.
Coding change: c.1372T>C on transcript NM_024426.6 (MANE Select); coding-DNA position 1372, T replaced by C.
Protein change: p.Cys458Arg; replaces cysteine 458 with arginine.
Molecular consequence: missense variant. On other transcripts: non-coding transcript variant (1).
Genome position (GRCh38, 1-based): chr11:32,392,047, A>G on the plus strand (T>C on the coding strand, the complement: WT1 is on the minus strand). VCF-style: chr11-32392047-A-G. GRCh37 (hg19) VCF-style: chr11-32413593-A-G.
Other names: c.1321T>C, p.Cys441Arg (NM_000378.6, NM_001407045.1); c.721T>C, p.Cys241Arg (NM_001198551.2); c.670T>C, p.Cys224Arg (NM_001198552.2); c.184T>C, p.Cys62Arg (NM_001367854.1); c.1366T>C, p.Cys456Arg (NM_001407044.1); c.1249T>C, p.Cys417Arg (NM_001407047.1); c.1231T>C, p.Cys411Arg (NM_001407048.1); c.1198T>C, p.Cys400Arg (NM_001407050.1); and 4 more; short protein forms C400R, C436R, C411R, C241R, C441R, C458R, C204R, C224R.
Identifiers: ClinVar variation 2137049 (VCV002137049.6), dbSNP rs2132915155, ClinGen allele CA379958962.

ClinVar aggregate classification (germline): Pathogenic/Likely pathogenic. Review status: criteria provided, multiple submitters, no conflicts (2 of 4 stars). 3 submissions from 3 submitters: Pathogenic (2); Likely pathogenic (1). Last evaluated 2026-07-23.

Conditions:
WT1-related disorder. Also called: WT1-related disorders. Identifiers: MedGen CN377814.
Drash syndrome (DDS). Also called: NEPHROPATHY, WILMS TUMOR, AND GENITAL ANOMALIES; WILMS TUMOR AND PSEUDO- OR TRUE HERMAPHRODITISM. Identifiers: Orphanet 220, MedGen C0950121, MONDO:0008682, OMIM 194080.
Frasier syndrome. Identifiers: Orphanet 347, MedGen C0950122, MeSH D052159, MONDO:0007635, OMIM 136680.
Wilms tumor 1 (WT1). Also called: Wilms tumor, somatic. Identifiers: Orphanet 654, MedGen CN033288, MONDO:0008679, OMIM 194070.
11p partial monosomy syndrome (WAGR). Also called: CHROMOSOME 11p13 DELETION SYNDROME; WAGR Complex; WAGR Spectrum Disorder; WAGR syndrome. Identifiers: Orphanet 893, MedGen C0206115, MONDO:0008681, OMIM 194072.

Submissions (3):

PreventionGenetics, part of Exact Sciences
Classification: Likely pathogenic for WT1-related condition. Last evaluated: 2026-07-23. Review status: criteria provided, single submitter. Criteria: ACMG Guidelines, 2015. Collection method: clinical testing. Allele origin: germline.
Comment: The WT1 c.1357T>C variant is predicted to result in the amino acid substitution p.Cys453Arg. This variant has been reported in a patient with Denys-Drash syndrome and focal glomerular sclerosis (Case E-2 in Kikuchi et al 1998. PubMed ID: 9475094). To our knowledge, this variant has not been reported in a large population database (gnomAD), indicating this variant is rare. This variant is interpreted as likely pathogenic.

Labcorp Genetics (formerly Invitae), Labcorp
Classification: Pathogenic for Wilms tumor 1; Drash syndrome; 11p partial monosomy syndrome; Frasier syndrome. Last evaluated: 2022-05-29. Review status: criteria provided, single submitter. Criteria: Invitae Variant Classification Sherloc (09022015). Collection method: clinical testing. Allele origin: germline.
Comment: This sequence change replaces cysteine, which is neutral and slightly polar, with arginine, which is basic and polar, at codon 453 of the WT1 protein (p.Cys453Arg). This variant is not present in population databases (gnomAD no frequency). For these reasons, this variant has been classified as Pathogenic. This variant disrupts the p.Cys453 amino acid residue in WT1. Other variant(s) that disrupt this residue have been observed in individuals with WT1-related conditions (PMID: 27300205), which suggests that this may be a clinically significant amino acid residue. Algorithms developed to predict the effect of missense changes on protein structure and function (SIFT, PolyPhen-2, Align-GVGD) all suggest that this variant is likely to be disruptive. This variant is also known as p.Cys385Arg. This missense change has been observed in individuals with WT1-related conditions (PMID: 9475094, 25818337, 28658201).

Blueprint Genetics
Classification: Pathogenic for WT1-related disorders. Last evaluated: 2021-05-27. Review status: criteria provided, single submitter. Criteria: ACMG Guidelines, 2015. Collection method: clinical testing. Allele origin: germline. Affected: yes. Observed: 1 variant allele.

Literature cited by the submitters: PubMed 27300205 (cited by Labcorp Genetics (formerly Invitae), Labcorp); PubMed 9475094 (cited by Labcorp Genetics (formerly Invitae), Labcorp); PubMed 25818337 (cited by Labcorp Genetics (formerly Invitae), Labcorp); PubMed 28658201 (cited by Labcorp Genetics (formerly Invitae), Labcorp).